The following is an entry in ClinVar:

NM_015978.3(TNNI3K):c.2414C>T (p.Thr805Ile)

Genes: FPGT-TNNI3K (FPGT-TNNI3K readthrough; plus strand), TNNI3K (TNNI3 interacting kinase; plus strand). Cytogenetic location: 1p31.1.
Variant type: single nucleotide variant.
Coding change: c.2414C>T on transcript NM_015978.3 (MANE Select); coding-DNA position 2414, C replaced by T.
Protein change: p.Thr805Ile; replaces threonine 805 with isoleucine.
Molecular consequence: missense variant.
Genome position (GRCh38, 1-based): chr1:74,540,296, C>T. VCF-style: chr1-74540296-C-T. GRCh37 (hg19) VCF-style: chr1-75005980-C-T.
Other names: c.2717C>T, p.Thr906Ile (NM_001112808.3); short protein forms T906I, T805I.
Identifiers: ClinVar variation 2803948 (VCV002803948.3), dbSNP rs755654438, ClinGen allele CA909892.

ClinVar aggregate classification (germline): Uncertain significance (1 of 4 stars; one submission).

Allele frequency attached by ClinVar (database versions not stated): gnomAD exomes below 0.00001; ExAC 0.00001; TOPMed 0.00001.
gnomAD v4.1: 1 of 1,611,770 alleles (0.000062%); highest among the groups gnomAD compares: Non-Finnish European, 0.000085%; no homozygotes.

Submission:

Labcorp Genetics (formerly Invitae), Labcorp
Classification: Uncertain significance. Last evaluated: 2025-09-27. Review status: criteria provided, single submitter. Criteria: Invitae Variant Classification Sherloc (09022015). Collection method: clinical testing. Allele origin: germline.
Comment: This sequence change replaces threonine, which is neutral and polar, with isoleucine, which is neutral and non-polar, at codon 805 of the TNNI3K protein (p.Thr805Ile). This variant is present in population databases (rs755654438, gnomAD 0.0009%). This variant has not been reported in the literature in individuals affected with TNNI3K-related conditions. ClinVar contains an entry for this variant (Variation ID: 2803948). An algorithm developed to predict the effect of missense changes on protein structure and function (PolyPhen-2) suggests that this variant is likely to be tolerated. In summary, the available evidence is currently insufficient to determine the role of this variant in disease. Therefore, it has been classified as a Variant of Uncertain Significance.